The following is an entry in ClinVar:

NM_021964.3(ZNF148):c.491G>A (p.Gly164Asp)

Gene: ZNF148 (zinc finger protein 148; minus strand). Cytogenetic location: 3q21.2.
Variant type: single nucleotide variant.
Coding change: c.491G>A on transcript NM_021964.3 (MANE Select); coding-DNA position 491, G replaced by A.
Protein change: p.Gly164Asp; replaces glycine 164 with aspartic acid.
Molecular consequence: missense variant.
Genome position (GRCh38, 1-based): chr3:125,279,216, C>T on the plus strand (G>A on the coding strand, the complement: ZNF148 is on the minus strand). VCF-style: chr3-125279216-C-T. GRCh37 (hg19) VCF-style: chr3-124998060-C-T.
Other names: c.491G>A, p.Gly164Asp (NM_001348424.1, NM_001348425.2, NM_001348426.2 and 8 more transcripts); c.365G>A, p.Gly122Asp (NM_001348434.2); short protein forms G122D, G164D.
Identifiers: ClinVar variation 3367780 (VCV003367780.1).

ClinVar aggregate classification (germline): Uncertain significance (1 of 4 stars; one submission).

Submission:

GeneDx
Classification: Uncertain significance. Last evaluated: 2024-01-09. Review status: criteria provided, single submitter. Criteria: GeneDx Variant Classification Process June 2021. Collection method: clinical testing. Allele origin: germline. Affected: yes.
Comment: Not observed at significant frequency in large population cohorts (gnomAD); In silico analysis supports that this missense variant does not alter protein structure/function; Has not been previously published as pathogenic or benign to our knowledge